The following is an entry in ClinVar:

NM_000051.4(ATM):c.1948G>A (p.Glu650Lys)

Gene: ATM (ATM serine/threonine kinase; plus strand). Cytogenetic location: 11q22.3.
Variant type: single nucleotide variant.
Coding change: c.1948G>A on transcript NM_000051.4 (MANE Select); coding-DNA position 1948, G replaced by A.
Protein change: p.Glu650Lys; replaces glutamic acid 650 with lysine.
Molecular consequence: missense variant.
Genome position (GRCh38, 1-based): chr11:108,253,863, G>A. VCF-style: chr11-108253863-G-A. GRCh37 (hg19) VCF-style: chr11-108124590-G-A.
Other names: c.1948G>A, p.Glu650Lys (NM_001351834.2); short protein forms E650K.
Identifiers: ClinVar variation 1364009 (VCV001364009.7), dbSNP rs2135367169, ClinGen allele CA382536670.

ClinVar aggregate classification (germline): Uncertain significance (1 of 4 stars; one submission).

Conditions:
Ataxia-telangiectasia syndrome (AT). Also called: ATAXIA-TELANGIECTASIA, COMPLEMENTATION GROUP A; ATAXIA-TELANGIECTASIA, FRESNO VARIANT; Ataxia-telangiectasia; Ataxia-telangiectasia, complementation group D; Ataxia-telangiectasia, complementation group E; Ataxia telangiectasia (A-T). Identifiers: Orphanet 100, MedGen C0004135, MONDO:0008840, OMIM 208900.

Allele frequency attached by ClinVar (database versions not stated): gnomAD exomes below 0.00001.
gnomAD v4.1: 1 of 1,613,896 alleles (0.000062%); highest among the groups gnomAD compares: Middle Eastern, 0.017%; no homozygotes.

Submission:

Labcorp Genetics (formerly Invitae), Labcorp
Classification: Uncertain significance for Ataxia-telangiectasia syndrome. Last evaluated: 2025-08-30. Review status: criteria provided, single submitter. Criteria: Invitae Variant Classification Sherloc (09022015). Collection method: clinical testing. Allele origin: germline.
Comment: This sequence change replaces glutamic acid, which is acidic and polar, with lysine, which is basic and polar, at codon 650 of the ATM protein (p.Glu650Lys). This variant is not present in population databases (gnomAD no frequency). This variant has not been reported in the literature in individuals affected with ATM-related conditions. ClinVar contains an entry for this variant (Variation ID: 1364009). Invitae Evidence Modeling of protein sequence and biophysical properties (such as structural, functional, and spatial information, amino acid conservation, physicochemical variation, residue mobility, and thermodynamic stability) indicates that this missense variant is not expected to disrupt ATM protein function with a negative predictive value of 95%. In summary, the available evidence is currently insufficient to determine the role of this variant in disease. Therefore, it has been classified as a Variant of Uncertain Significance.